The following is an entry in ClinVar:

NM_000368.5(TSC1):c.3083G>A (p.Gly1028Asp)

Gene: TSC1 (TSC complex subunit 1; minus strand). Cytogenetic location: 9q34.13.
Variant type: single nucleotide variant.
Coding change: c.3083G>A on transcript NM_000368.5 (MANE Select); coding-DNA position 3083, G replaced by A.
Protein change: p.Gly1028Asp; replaces glycine 1028 with aspartic acid.
Molecular consequence: missense variant.
Genome position (GRCh38, 1-based): chr9:132,896,647, C>T on the plus strand (G>A on the coding strand, the complement: TSC1 is on the minus strand). VCF-style: chr9-132896647-C-T. GRCh37 (hg19) VCF-style: chr9-135772034-C-T.
Other names: c.3080G>A, p.Gly1027Asp (NM_001162426.2); c.2930G>A, p.Gly977Asp (NM_001162427.2); c.2720G>A, p.Gly907Asp (NM_001362177.2); short protein forms G1028D, G977D, G1027D, G907D.
Identifiers: ClinVar variation 937559 (VCV000937559.12), dbSNP rs1845080410, ClinGen allele CA375367534.

ClinVar aggregate classification (germline): Uncertain significance. Review status: criteria provided, multiple submitters, no conflicts (2 of 4 stars). 3 submissions from 3 submitters: Uncertain significance (3). Last evaluated 2025-08-20.

Conditions:
Tuberous sclerosis 1 (TSC1). Identifiers: Orphanet 805, MedGen C1854465, MONDO:0008612, OMIM 191100.
Hereditary cancer-predisposing syndrome. Also called: Tumor predisposition; Hereditary neoplastic syndrome; Neoplastic Syndromes, Hereditary; Hereditary Cancer Syndrome. Identifiers: Orphanet 140162, MedGen C0027672, MeSH D009386, MONDO:0015356.
Tuberous sclerosis syndrome (TSC). Also called: Tuberous sclerosis; Tuberous Sclerosis Complex. Identifiers: Orphanet 805, MedGen C0041341, MONDO:0001734.

Allele frequency attached by ClinVar (database versions not stated): gnomAD exomes below 0.00001.
gnomAD v4.1: 3 of 1,614,044 alleles (0.00019%); highest among the groups gnomAD compares: Non-Finnish European, 0.00025%; no homozygotes.

Submissions (3):

Color Diagnostics, LLC DBA Color Health
Classification: Uncertain significance for Tuberous sclerosis syndrome. Last evaluated: 2025-08-20. Review status: criteria provided, single submitter. Criteria: ACMG Guidelines, 2015. Collection method: clinical testing. Allele origin: germline.
Comment: This missense variant replaces glycine with aspartic acid at codon 1028 of the TSC1 protein. Computational prediction suggests that this variant may not impact protein structure and function. To our knowledge, functional studies have not been reported for this variant. This variant has not been reported in individuals affected with TSC1-related disorders in the literature. This variant has not been identified in the general population by the Genome Aggregation Database (gnomAD). The available evidence is insufficient to determine the role of this variant in disease conclusively. Therefore, this variant is classified as a Variant of Uncertain Significance.

Ambry Genetics
Classification: Uncertain significance for Hereditary cancer-predisposing syndrome. Last evaluated: 2025-08-08. Review status: criteria provided, single submitter. Criteria: Ambry Variant Classification Scheme 2023. Collection method: clinical testing. Allele origin: germline.
Comment: The p.G1028D variant (also known as c.3083G>A), located in coding exon 21 of the TSC1 gene, results from a G to A substitution at nucleotide position 3083. The glycine at codon 1028 is replaced by aspartic acid, an amino acid with similar properties. This amino acid position is conserved. In addition, the in silico prediction for this alteration is inconclusive. Since supporting evidence is limited at this time, the clinical significance of this alteration remains unclear.

Labcorp Genetics (formerly Invitae), Labcorp
Classification: Uncertain significance for Tuberous sclerosis 1. Last evaluated: 2025-05-19. Review status: criteria provided, single submitter. Criteria: Invitae Variant Classification Sherloc (09022015). Collection method: clinical testing. Allele origin: germline.
Comment: This sequence change replaces glycine, which is neutral and non-polar, with aspartic acid, which is acidic and polar, at codon 1028 of the TSC1 protein (p.Gly1028Asp). This variant is not present in population databases (gnomAD no frequency). This variant has not been reported in the literature in individuals affected with TSC1-related conditions. ClinVar contains an entry for this variant (Variation ID: 937559). Invitae Evidence Modeling of protein sequence and biophysical properties (such as structural, functional, and spatial information, amino acid conservation, physicochemical variation, residue mobility, and thermodynamic stability) indicates that this missense variant is not expected to disrupt TSC1 protein function with a negative predictive value of 95%. In summary, the available evidence is currently insufficient to determine the role of this variant in disease. Therefore, it has been classified as a Variant of Uncertain Significance.